The following is an entry in ClinVar:

ClinVar aggregate classification (germline): Uncertain significance (1 of 4 stars; one submission).

Conditions:
Hereditary cancer-predisposing syndrome. Also called: Hereditary neoplastic syndrome; Neoplastic Syndromes, Hereditary; Tumor predisposition; Hereditary Cancer Syndrome. Identifiers: Orphanet 140162, MedGen C0027672, MeSH D009386, MONDO:0015356.

Submission:

Ambry Genetics
Classification: Uncertain significance for Hereditary cancer-predisposing syndrome. Last evaluated: 2025-03-14. Review status: criteria provided, single submitter. Criteria: Ambry Variant Classification Scheme 2023. Collection method: clinical testing. Allele origin: germline.
Comment: The p.E40G variant (also known as c.119A>G), located in coding exon 1 of the CDKN1B gene, results from an A to G substitution at nucleotide position 119. The glutamic acid at codon 40 is replaced by glycine, an amino acid with similar properties. This amino acid position is conserved. In addition, the in silico prediction for this alteration is inconclusive. Based on the available evidence, the clinical significance of this variant remains unclear.

NM_004064.5(CDKN1B):c.119A>G (p.Glu40Gly)

Gene: CDKN1B (cyclin dependent kinase inhibitor 1B; plus strand). Cytogenetic location: 12p13.1.
Variant type: single nucleotide variant.
Coding change: c.119A>G on transcript NM_004064.5 (MANE Select); coding-DNA position 119, A replaced by G.
Protein change: p.Glu40Gly; replaces glutamic acid 40 with glycine.
Molecular consequence: missense variant.
Genome position (GRCh38, 1-based): chr12:12,717,958, A>G. VCF-style: chr12-12717958-A-G. GRCh37 (hg19) VCF-style: chr12-12870892-A-G.
Other names: short protein forms E40G.
Identifiers: ClinVar variation 3830975 (VCV003830975.1).